The following is an entry in ClinVar:

NM_000383.4(AIRE):c.1250_1251insTCTCCTCGGCCCTGCACCCCCT (p.Cys419fs)

Gene: AIRE (autoimmune regulator; plus strand). Cytogenetic location: 21q22.3.
Variant type: Microsatellite.
Coding change: c.1250_1251insTCTCCTCGGCCCTGCACCCCCT on transcript NM_000383.4 (MANE Select); coding-DNA positions 1250 to 1251, TCTCCTCGGCCCTGCACCCCCT inserted.
Protein change: p.Cys419fs; shifts the reading frame from cysteine 419.
Molecular consequence: frameshift variant.
Genome position: GRCh38 VCF-style: chr21-44293126-A-ACTCCTCGGCCCTGCACCCCCTT. GRCh37 (hg19) VCF-style: chr21-45713009-A-ACTCCTCGGCCCTGCACCCCCTT.
Other names: short protein forms C419fs.
Identifiers: ClinVar variation 1456179 (VCV001456179.7), dbSNP rs2146383561.

ClinVar aggregate classification (germline): Pathogenic (1 of 4 stars; one submission).

Conditions:
Polyglandular autoimmune syndrome, type 1 (APS1). Also called: Autoimmune polyendocrinopathy syndrome, type I; Autoimmune polyendocrinopathy syndrome , type I, with or without reversible metaphyseal dysplasia; AUTOIMMUNE POLYENDOCRINE SYNDROME, TYPE I, WITH OR WITHOUT REVERSIBLE METAPHYSEAL DYSPLASIA; APS I; PGA I; HYPOADRENOCORTICISM WITH HYPOPARATHYROIDISM AND SUPERFICIAL MONILIASIS. Identifiers: Orphanet 3453, MedGen C0085859, MONDO:0009411, OMIM 240300.

Submission:

Labcorp Genetics (formerly Invitae), Labcorp
Classification: Pathogenic for Polyglandular autoimmune syndrome, type 1. Last evaluated: 2022-11-01. Review status: criteria provided, single submitter. Criteria: Invitae Variant Classification Sherloc (09022015). Collection method: clinical testing. Allele origin: germline.
Comment: For these reasons, this variant has been classified as Pathogenic. This sequence change creates a premature translational stop signal (p.Cys419Leufs*12) in the AIRE gene. It is expected to result in an absent or disrupted protein product. Loss-of-function variants in AIRE are known to be pathogenic (PMID: 11524731, 26141571). This variant is not present in population databases (gnomAD no frequency). This variant has not been reported in the literature in individuals affected with AIRE-related conditions.

Literature cited by the submitters: PubMed 11524731; PubMed 26141571.